The following is an entry in ClinVar:

NM_001206927.2(DNAH8):c.4513G>A (p.Val1505Ile)

Gene: DNAH8 (dynein axonemal heavy chain 8; plus strand). Cytogenetic location: 6p21.2.
Variant type: single nucleotide variant.
Coding change: c.4513G>A on transcript NM_001206927.2 (MANE Select); coding-DNA position 4513, G replaced by A.
Protein change: p.Val1505Ile; replaces valine 1505 with isoleucine.
Molecular consequence: missense variant.
Genome position (GRCh38, 1-based): chr6:38,842,414, G>A. VCF-style: chr6-38842414-G-A. GRCh37 (hg19) VCF-style: chr6-38810190-G-A.
Other names: c.3862G>A, p.Val1288Ile (NM_001371.4); short protein forms V1505I, V1288I.
Identifiers: ClinVar variation 659868 (VCV000659868.6), dbSNP rs200202666, ClinGen allele CA3789147.
Genomic context (GRCh38, chr6:38,842,414, plus strand): 5'-ACTTTGTTTCCCAGAAAAGAACTCAACTTGCTGCAGAAGCTGTATGGATTGTATGACACC[G>A]TAATGAGCAGTATTAGTGGTTATTATGAAATACTTTGGGGAGATGTAGATATTGAAAAAA-3'
Protein context (NP_001193856.1, residues 1495-1515): LQKLYGLYDT[Val1505Ile]MSSISGYYEI

ClinVar aggregate classification (germline): Uncertain significance. Review status: criteria provided, multiple submitters, no conflicts (2 of 4 stars). 4 submissions from 4 submitters: Uncertain significance (4). Last evaluated 2024-10-23.

Conditions:
Primary ciliary dyskinesia. Also called: Ciliary dyskinesia. Identifiers: Orphanet 244, MedGen C0008780, MONDO:0016575, HP:0012265.

Allele frequency attached by ClinVar (database versions not stated): ExAC 0.00003; gnomAD exomes 0.00005; TOPMed 0.00011; gnomAD 0.00012 and 0.00013.
gnomAD v4.1: 284 of 1,612,216 alleles (0.018%); highest among the groups gnomAD compares: Non-Finnish European, 0.022%; no homozygotes.

Submissions (4):

Blueprint Genetics
Classification: Uncertain significance. Last evaluated: 2024-10-23. Review status: criteria provided, single submitter. Criteria: ACMG Guidelines, 2015. Collection method: clinical testing. Allele origin: germline.

Labcorp Genetics (formerly Invitae), Labcorp
Classification: Uncertain significance for Primary ciliary dyskinesia. Last evaluated: 2021-09-08. Review status: criteria provided, single submitter. Criteria: Invitae Variant Classification Sherloc (09022015). Collection method: clinical testing. Allele origin: germline.
Comment: This sequence change replaces valine with isoleucine at codon 1505 of the DNAH8 protein (p.Val1505Ile). The valine residue is highly conserved and there is a small physicochemical difference between valine and isoleucine. This variant is present in population databases (rs200202666, ExAC 0.006%). This variant has not been reported in the literature in individuals affected with DNAH8-related conditions. Algorithms developed to predict the effect of missense changes on protein structure and function are either unavailable or do not agree on the potential impact of this missense change (SIFT: "Deleterious"; PolyPhen-2: "Not Available"; Align-GVGD: "Class C0"). In summary, the available evidence is currently insufficient to determine the role of this variant in disease. Therefore, it has been classified as a Variant of Uncertain Significance.

Ambry Genetics
Classification: Uncertain significance. Last evaluated: 2021-06-11. Review status: criteria provided, single submitter. Criteria: Ambry Variant Classification Scheme 2023. Collection method: clinical testing. Allele origin: germline.

Breakthrough Genomics
Classification: Uncertain significance. Review status: criteria provided, single submitter. Criteria: ACMG Guidelines, 2015. Collection method: not provided. Allele origin: germline. Inheritance: Autosomal recessive inheritance. Affected: yes.